The following is an entry in ClinVar:

ClinVar aggregate classification (germline): Benign/Likely benign. Review status: criteria provided, multiple submitters, no conflicts (2 of 4 stars). 3 submissions from 3 submitters: Benign (1); Likely benign (2). Last evaluated 2025-12-21.

Conditions:
Epidermolysis bullosa simplex 5B, with muscular dystrophy (EBS5B). Also called: EPIDERMOLYSIS BULLOSA SIMPLEX AND LIMB-GIRDLE MUSCULAR DYSTROPHY; Epidermolysis bullosa simplex with muscular dystrophy. Identifiers: Orphanet 257, MedGen C2931072, MONDO:0009181, OMIM 226670.
Epidermolysis bullosa simplex, Ogna type (EBS5A). Also called: Pidermolysis bullosa simplex 5A, Ogna type; EPIDERMOLYSIS BULLOSA SIMPLEX 5A, OGNA TYPE. Identifiers: Orphanet 79401, MedGen C0432317, MONDO:0007555, OMIM 131950.
Epidermolysis bullosa simplex 5C, with pyloric atresia (EBS5C). Also called: PLEC1-Related Epidermolysis Bullosa with Pyloric Atresia; PLEC-Related Epidermolysis Bullosa with Pyloric Atresia; Epidermolysis bullosa simplex with pyloric atresia. Identifiers: Orphanet 158684, MedGen C2677349, MONDO:0012807, OMIM 612138.
Epidermolysis bullosa simplex with nail dystrophy (EBS5D). Identifiers: MedGen C4225309, MONDO:0014661, OMIM 616487.
Autosomal recessive limb-girdle muscular dystrophy type 2Q (LGMDR17). Also called: MUSCULAR DYSTROPHY, LIMB-GIRDLE, AUTOSOMAL RECESSIVE 17. Identifiers: Orphanet 254361, MedGen C3150989, MONDO:0013390, OMIM 613723.

Allele frequency attached by ClinVar (database versions not stated): gnomAD below 0.00001 and 0.00021; TOPMed 0.00003; gnomAD exomes 0.00032 and 0.00067; ExAC 0.00088; 1000 Genomes Project 30x 0.00187; 1000 Genomes Project 0.00220.
gnomAD v4.1: 502 of 1,611,952 alleles (0.031%); highest among the groups gnomAD compares: South Asian, 0.52%; 7 homozygotes.

Submissions (3):

Labcorp Genetics (formerly Invitae), Labcorp
Classification: Benign for Autosomal recessive limb-girdle muscular dystrophy type 2Q; Epidermolysis bullosa simplex, Ogna type; Epidermolysis bullosa simplex with nail dystrophy; Epidermolysis bullosa simplex 5C, with pyloric atresia; Epidermolysis bullosa simplex 5B, with muscular dystrophy. Last evaluated: 2025-12-21. Review status: criteria provided, single submitter. Criteria: Invitae Variant Classification Sherloc (09022015). Collection method: clinical testing. Allele origin: germline.

Blueprint Genetics
Classification: Likely benign. Last evaluated: 2023-11-24. Review status: criteria provided, single submitter. Criteria: ACMG Guidelines, 2015. Collection method: clinical testing. Allele origin: germline.

CeGaT Center for Human Genetics Tuebingen
Classification: Likely benign. Last evaluated: 2023-01-01. Review status: criteria provided, single submitter. Criteria: CeGaT Center For Human Genetics Tuebingen Variant Classification Criteria Version 2. Collection method: clinical testing. Allele origin: germline. Affected: yes. Observed: 1 variant allele.
Comment: PLEC: BP4, BS2

NM_201384.3(PLEC):c.13350G>A (p.Leu4450=)

Gene: PLEC (plectin; minus strand). Cytogenetic location: 8q24.3.
Variant type: single nucleotide variant.
Coding change: c.13350G>A on transcript NM_201384.3 (MANE Select); coding-DNA position 13350, G replaced by A.
Protein change: p.Leu4450=; no amino-acid change (leucine 4450 retained).
Molecular consequence: synonymous variant.
Genome position (GRCh38, 1-based): chr8:143,916,471, C>T on the plus strand (G>A on the coding strand, the complement: PLEC is on the minus strand). VCF-style: chr8-143916471-C-T. GRCh37 (hg19) VCF-style: chr8-144990639-C-T.
Other names: c.13431G>A, p.Leu4477= (NM_000445.5); c.13308G>A, p.Leu4436= (NM_201378.4); c.13284G>A, p.Leu4428= (NM_201379.3); c.13761G>A, p.Leu4587= (NM_201380.4); c.13254G>A, p.Leu4418= (NM_201381.3); c.13350G>A, p.Leu4450= (NM_201382.4); c.13362G>A, p.Leu4454= (NM_201383.3).
Identifiers: ClinVar variation 539053 (VCV000539053.36), dbSNP rs534414054, ClinGen allele CA4923833.